The following is an entry in ClinVar:

ClinVar aggregate classification (germline): Uncertain significance (1 of 4 stars; one submission).

Conditions:
Hereditary cancer-predisposing syndrome. Also called: Neoplastic Syndromes, Hereditary; Tumor predisposition; Hereditary Cancer Syndrome; Hereditary neoplastic syndrome. Identifiers: Orphanet 140162, MedGen C0027672, MeSH D009386, MONDO:0015356.

Submission:

Ambry Genetics
Classification: Uncertain significance for Hereditary cancer-predisposing syndrome. Last evaluated: 2019-11-27. Review status: criteria provided, single submitter. Criteria: Ambry Variant Classification Scheme 2023. Collection method: clinical testing. Allele origin: germline.
Comment: The p.K567Q variant (also known as c.1699A>C), located in coding exon 4 of the MSH6 gene, results from an A to C substitution at nucleotide position 1699. The lysine at codon 567 is replaced by glutamine, an amino acid with similar properties. This amino acid position is not well conserved in available vertebrate species. In addition, this alteration is predicted to be tolerated by in silico analysis. Since supporting evidence is limited at this time, the clinical significance of this alteration remains unclear.

NM_000179.3(MSH6):c.1699A>C (p.Lys567Gln)

Gene: MSH6 (mutS homolog 6; plus strand). Cytogenetic location: 2p16.3.
Variant type: single nucleotide variant.
Coding change: c.1699A>C on transcript NM_000179.3 (MANE Select); coding-DNA position 1699, A replaced by C.
Protein change: p.Lys567Gln; replaces lysine 567 with glutamine.
Molecular consequence: missense variant.
Genome position (GRCh38, 1-based): chr2:47,799,682, A>C. VCF-style: chr2-47799682-A-C. GRCh37 (hg19) VCF-style: chr2-48026821-A-C.
Other names: c.1531A>C, p.Lys511Gln (NM_001406826.1); c.1402A>C, p.Lys468Gln (NM_001406827.1, NM_001406830.1, NM_001406828.1 and 10 more transcripts); c.793A>C, p.Lys265Gln (NM_001406829.1, NM_001281493.2, NM_001281494.2 and 6 more transcripts); c.1309A>C, p.Lys437Gln (NM_001281492.2); c.1795A>C, p.Lys599Gln (NM_001406795.1, NM_001406802.1); c.1699A>C, p.Lys567Gln (NM_001406796.1, NM_001406798.1, NM_001406800.1 and 3 more transcripts); c.1174A>C, p.Lys392Gln (NM_001406799.1, NM_001406806.1, NM_001406807.1); c.1621A>C, p.Lys541Gln (NM_001406804.1); and 1 more; short protein forms K265Q, K468Q, K392Q, K541Q, K567Q, K511Q, K437Q, K569Q.
Identifiers: ClinVar variation 1778284 (VCV001778284.2), dbSNP rs1669363053, ClinGen allele CA346747556.